The following is an entry in ClinVar:

ClinVar aggregate classification (germline): Uncertain significance (1 of 4 stars; one submission).

Conditions:
Emery-Dreifuss muscular dystrophy 5, autosomal dominant (EDMD5). Also called: EMERY-DREIFUSS MUSCULAR DYSTROPHY 5. Identifiers: Orphanet 261, MedGen C2751805, MONDO:0013072, OMIM 612999.

gnomAD v4.1: 10 of 1,613,748 alleles (0.00062%); highest among the groups gnomAD compares: Admixed American, 0.015%; no homozygotes.

Submission:

Labcorp Genetics (formerly Invitae), Labcorp
Classification: Uncertain significance for Emery-Dreifuss muscular dystrophy 5, autosomal dominant. Last evaluated: 2023-09-22. Review status: criteria provided, single submitter. Criteria: Invitae Variant Classification Sherloc (09022015). Collection method: clinical testing. Allele origin: germline.
Comment: This sequence change replaces leucine, which is neutral and non-polar, with valine, which is neutral and non-polar, at codon 5734 of the SYNE2 protein (p.Leu5734Val). This variant is present in population databases (rs562082597, gnomAD 0.02%). This variant has not been reported in the literature in individuals affected with SYNE2-related conditions. An algorithm developed to predict the effect of missense changes on protein structure and function (PolyPhen-2) suggests that this variant is likely to be disruptive. In summary, the available evidence is currently insufficient to determine the role of this variant in disease. Therefore, it has been classified as a Variant of Uncertain Significance.

NM_182914.3(SYNE2):c.17200C>G (p.Leu5734Val)

Gene: SYNE2 (spectrin repeat containing nuclear envelope protein 2; plus strand). Cytogenetic location: 14q23.2.
Variant type: single nucleotide variant.
Coding change: c.17200C>G on transcript NM_182914.3 (MANE Select); coding-DNA position 17200, C replaced by G.
Protein change: p.Leu5734Val; replaces leucine 5734 with valine.
Molecular consequence: missense variant.
Genome position (GRCh38, 1-based): chr14:64,170,427, C>G. VCF-style: chr14-64170427-C-G. GRCh37 (hg19) VCF-style: chr14-64637145-C-G.
Other names: c.17200C>G, p.Leu5734Val (NM_015180.6); short protein forms L5734V.
Identifiers: ClinVar variation 2712233 (VCV002712233.3), dbSNP rs562082597, ClinGen allele CA7223622.